The following is an entry in ClinVar:

NM_006322.6(TUBGCP3):c.1920C>T (p.Leu640=)

Gene: TUBGCP3 (tubulin gamma complex component 3; minus strand). Cytogenetic location: 13q34.
Variant type: single nucleotide variant.
Coding change: c.1920C>T on transcript NM_006322.6 (MANE Select); coding-DNA position 1920, C replaced by T.
Protein change: p.Leu640=; no amino-acid change (leucine 640 retained).
Molecular consequence: synonymous variant.
Genome position (GRCh38, 1-based): chr13:112,519,005, G>A on the plus strand (C>T on the coding strand, the complement: TUBGCP3 is on the minus strand). VCF-style: chr13-112519005-G-A. GRCh37 (hg19) VCF-style: chr13-113173319-G-A.
Other names: c.1890C>T, p.Leu630= (NM_001286277.2); c.1920C>T, p.Leu640= (NM_001286278.2).
Identifiers: ClinVar variation 3388177 (VCV003388177.14).

ClinVar aggregate classification (germline): Likely benign (1 of 4 stars; one submission).

gnomAD v4.1: 374 of 1,613,880 alleles (0.023%); highest among the groups gnomAD compares: Non-Finnish European, 0.03%; no homozygotes.

Submission:

CeGaT Center for Human Genetics Tuebingen
Classification: Likely benign. Last evaluated: 2024-11-01. Review status: criteria provided, single submitter. Criteria: CeGaT Center For Human Genetics Tuebingen Variant Classification Criteria Version 2. Collection method: clinical testing. Allele origin: germline. Affected: yes. Observed: 1 variant allele.
Comment: TUBGCP3: BP4, BP7